The following is an entry in ClinVar:

NM_001190274.2(FBXO11):c.1217G>C (p.Ser406Thr)

Gene: FBXO11 (F-box protein 11; minus strand). Cytogenetic location: 2p16.3.
Variant type: single nucleotide variant.
Coding change: c.1217G>C on transcript NM_001190274.2 (MANE Select); coding-DNA position 1217, G replaced by C.
Protein change: p.Ser406Thr; replaces serine 406 with threonine.
Molecular consequence: missense variant.
Genome position (GRCh38, 1-based): chr2:47,832,615, C>G on the plus strand (G>C on the coding strand, the complement: FBXO11 is on the minus strand). VCF-style: chr2-47832615-C-G. GRCh37 (hg19) VCF-style: chr2-48059754-C-G.
Other names: c.965G>C, p.Ser322Thr (NM_001374325.1, NM_025133.4); short protein forms S322T, S406T.
Identifiers: ClinVar variation 2700666 (VCV002700666.3), dbSNP rs2531191035, ClinGen allele CA346765589.

ClinVar aggregate classification (germline): Uncertain significance (1 of 4 stars; one submission).

Submission:

Labcorp Genetics (formerly Invitae), Labcorp
Classification: Uncertain significance. Last evaluated: 2023-12-03. Review status: criteria provided, single submitter. Criteria: Invitae Variant Classification Sherloc (09022015). Collection method: clinical testing. Allele origin: germline.
Comment: This sequence change replaces serine, which is neutral and polar, with threonine, which is neutral and polar, at codon 406 of the FBXO11 protein (p.Ser406Thr). This variant is not present in population databases (gnomAD no frequency). This variant has not been reported in the literature in individuals affected with FBXO11-related conditions. An algorithm developed to predict the effect of missense changes on protein structure and function (PolyPhen-2) suggests that this variant is likely to be disruptive. In summary, the available evidence is currently insufficient to determine the role of this variant in disease. Therefore, it has been classified as a Variant of Uncertain Significance.